The following is an entry in ClinVar:

NM_004304.5(ALK):c.3115G>T (p.Val1039Leu)

Gene: ALK (ALK receptor tyrosine kinase; minus strand). Cytogenetic location: 2p23.2.
Variant type: single nucleotide variant.
Coding change: c.3115G>T on transcript NM_004304.5 (MANE Select); coding-DNA position 3115, G replaced by T.
Protein change: p.Val1039Leu; replaces valine 1039 with leucine.
Molecular consequence: missense variant.
Genome position (GRCh38, 1-based): chr2:29,225,518, C>A on the plus strand (G>T on the coding strand, the complement: ALK is on the minus strand). VCF-style: chr2-29225518-C-A. GRCh37 (hg19) VCF-style: chr2-29448384-C-A.
Other names: short protein forms V1039L.
Identifiers: ClinVar variation 849511 (VCV000849511.12), dbSNP rs200080181, ClinGen allele CA346466938.

ClinVar aggregate classification (germline): Uncertain significance. Review status: criteria provided, multiple submitters, no conflicts (2 of 4 stars). 3 submissions from 3 submitters: Uncertain significance (3). Last evaluated 2025-02-04.

Conditions:
Neuroblastoma, susceptibility to, 3. Also called: ALK-Related Neuroblastic Tumor Susceptibility. Identifiers: Orphanet 635, MedGen C2751681, MONDO:0013083, OMIM 613014.
Hereditary cancer-predisposing syndrome. Also called: Neoplastic Syndromes, Hereditary; Hereditary Cancer Syndrome; Hereditary neoplastic syndrome; Tumor predisposition. Identifiers: Orphanet 140162, MedGen C0027672, MeSH D009386, MONDO:0015356.

gnomAD v4.1: 6 of 1,613,538 alleles (0.00037%); highest among the groups gnomAD compares: East Asian, 0.0045%; no homozygotes.

Submissions (3):

Ambry Genetics
Classification: Uncertain significance for Hereditary cancer-predisposing syndrome. Last evaluated: 2025-02-04. Review status: criteria provided, single submitter. Criteria: Ambry Variant Classification Scheme 2023. Collection method: clinical testing. Allele origin: germline.
Comment: The p.V1039L variant (also known as c.3115G>T), located in coding exon 19 of the ALK gene, results from a G to T substitution at nucleotide position 3115. The valine at codon 1039 is replaced by leucine, an amino acid with highly similar properties. This amino acid position is conserved. In addition, the in silico prediction for this alteration is inconclusive. Since supporting evidence is limited at this time, the clinical significance of this alteration remains unclear.

Labcorp Genetics (formerly Invitae), Labcorp
Classification: Uncertain significance for Neuroblastoma, susceptibility to, 3. Last evaluated: 2024-01-17. Review status: criteria provided, single submitter. Criteria: Invitae Variant Classification Sherloc (09022015). Collection method: clinical testing. Allele origin: germline.
Comment: This sequence change replaces valine, which is neutral and non-polar, with leucine, which is neutral and non-polar, at codon 1039 of the ALK protein (p.Val1039Leu). This variant is not present in population databases (gnomAD no frequency). This variant has not been reported in the literature in individuals affected with ALK-related conditions. ClinVar contains an entry for this variant (Variation ID: 849511). An algorithm developed to predict the effect of missense changes on protein structure and function (PolyPhen-2) suggests that this variant is likely to be disruptive. In summary, the available evidence is currently insufficient to determine the role of this variant in disease. Therefore, it has been classified as a Variant of Uncertain Significance.

Baylor Genetics
Classification: Uncertain significance for Neuroblastoma, susceptibility to, 3. Last evaluated: 2023-07-20. Review status: criteria provided, single submitter. Criteria: ACMG Guidelines, 2015. Collection method: clinical testing. Allele origin: unknown.